The following is an entry in ClinVar:

ClinVar aggregate classification (germline): Uncertain significance (1 of 4 stars; one submission).

Conditions:
Hereditary cancer-predisposing syndrome. Also called: Hereditary Cancer Syndrome; Hereditary neoplastic syndrome; Neoplastic Syndromes, Hereditary; Tumor predisposition. Identifiers: Orphanet 140162, MedGen C0027672, MeSH D009386, MONDO:0015356.

Submission:

Ambry Genetics
Classification: Uncertain significance for Hereditary cancer-predisposing syndrome. Last evaluated: 2025-07-22. Review status: criteria provided, single submitter. Criteria: Ambry Variant Classification Scheme 2023. Collection method: clinical testing. Allele origin: germline.
Comment: The p.L1000V variant (also known as c.2998T>G), located in coding exon 18 of the DICER1 gene, results from a T to G substitution at nucleotide position 2998. The leucine at codon 1000 is replaced by valine, an amino acid with highly similar properties. This amino acid position is conserved. In addition, this alteration is predicted to be deleterious by in silico analysis. Based on the available evidence, the clinical significance of this variant remains unclear.

NM_177438.3(DICER1):c.2998T>G (p.Leu1000Val)

Gene: DICER1 (dicer 1, ribonuclease III; minus strand). Cytogenetic location: 14q32.13.
Variant type: single nucleotide variant.
Coding change: c.2998T>G on transcript NM_177438.3 (MANE Select); coding-DNA position 2998, T replaced by G.
Protein change: p.Leu1000Val; replaces leucine 1000 with valine.
Molecular consequence: missense variant. On other transcripts: non-coding transcript variant (6).
Genome position (GRCh38, 1-based): chr14:95,105,773, A>C on the plus strand (T>G on the coding strand, the complement: DICER1 is on the minus strand). VCF-style: chr14-95105773-A-C. GRCh37 (hg19) VCF-style: chr14-95572110-A-C.
Other names: c.2998T>G, p.Leu1000Val (NM_001195573.1, NM_001271282.3, NM_001291628.2 and 12 more transcripts); c.2716T>G, p.Leu906Val (NM_001395686.1); c.1315T>G, p.Leu439Val (NM_001395697.1); c.2593T>G, p.Leu865Val (NM_001395687.1, NM_001395688.1, NM_001395689.1 and 2 more transcripts); c.2431T>G, p.Leu811Val (NM_001395691.1); short protein forms L865V, L906V, L1000V, L439V, L811V.
Identifiers: ClinVar variation 4240508 (VCV004240508.1).